The following is an entry in ClinVar:

ClinVar aggregate classification (germline): Uncertain significance (1 of 4 stars; one submission).

Conditions:
Alstrom syndrome (ALMS). Identifiers: Orphanet 64, MedGen C0268425, MONDO:0008763, OMIM 203800.

gnomAD v4.1: 2 of 1,588,256 alleles (0.00013%); highest among the groups gnomAD compares: East Asian, 0.0023%; no homozygotes.

Submission:

Labcorp Genetics (formerly Invitae), Labcorp
Classification: Uncertain significance for Alstrom syndrome. Last evaluated: 2021-04-04. Review status: criteria provided, single submitter. Criteria: Invitae Variant Classification Sherloc (09022015). Collection method: clinical testing. Allele origin: germline.
Comment: In summary, the available evidence is currently insufficient to determine the role of this variant in disease. Therefore, it has been classified as a Variant of Uncertain Significance. Experimental studies and prediction algorithms are not available or were not evaluated, and the functional significance of this variant is currently unknown. This variant has not been reported in the literature in individuals with ALMS1-related conditions. This variant is not present in population databases (ExAC no frequency). This sequence change replaces glutamine with glutamic acid at codon 82 of the ALMS1 protein (p.Gln82Glu). The glutamine residue is moderately conserved and there is a small physicochemical difference between glutamine and glutamic acid.

NM_001378454.1(ALMS1):c.241C>G (p.Gln81Glu)

Gene: ALMS1 (ALMS1 centrosome and basal body associated protein; plus strand). Cytogenetic location: 2p13.1.
Variant type: single nucleotide variant.
Coding change: c.241C>G on transcript NM_001378454.1 (MANE Select); coding-DNA position 241, C replaced by G.
Protein change: p.Gln81Glu; replaces glutamine 81 with glutamic acid.
Molecular consequence: missense variant.
Genome position (GRCh38, 1-based): chr2:73,386,109, C>G. VCF-style: chr2-73386109-C-G. GRCh37 (hg19) VCF-style: chr2-73613237-C-G.
Other names: c.244C>G, p.Gln82Glu (NM_015120.4); short protein forms Q81E, Q82E.
Identifiers: ClinVar variation 1523028 (VCV001523028.6), dbSNP rs778264668, ClinGen allele CA347250909.
Genomic context (GRCh38, chr2:73,386,109, plus strand): 5'-GGGCCCCAGCATCTGGAAAGTATAGACGACGAGGAGGACGAGGAGGCCAAGGCCTGGCTG[C>G]AGGCGCACCCCGGCAGGATTTTGCCTCCGCTGTCGCCCCCGCAGCACCGCTACTCGGAGG-3'
Protein context (NP_001365383.1, residues 71-91): EEDEEAKAWL[Gln81Glu]AHPGRILPPL